The following is an entry in ClinVar:

NM_152443.3(RDH12):c.362T>C (p.Ile121Thr)

Genes: GPHN (gephyrin; plus strand), RDH12 (retinol dehydrogenase 12; plus strand). Cytogenetic location: 14q24.1.
Variant type: single nucleotide variant.
Coding change: c.362T>C on transcript NM_152443.3 (MANE Select); coding-DNA position 362, T replaced by C.
Protein change: p.Ile121Thr; replaces isoleucine 121 with threonine.
Molecular consequence: missense variant.
Genome position (GRCh38, 1-based): chr14:67,726,069, T>C. VCF-style: chr14-67726069-T-C. GRCh37 (hg19) VCF-style: chr14-68192786-T-C.
Other names: short protein forms I121T.
Identifiers: ClinVar variation 805930 (VCV000805930.2), dbSNP rs1594865719, ClinGen allele CA390149985.
Genomic context (GRCh38, chr14:67,726,069, plus strand): 5'-ACTCCTTGCTAACCATAGGATCTCTTTGGTTGTGCCCTATAGAGGAAAAGCAGCTCCATA[T>C]TCTGATCAACAATGCGGGAGTAATGATGTGTCCATATTCCAAGACAGCTGATGGCTTTGA-3'
Protein context (NP_689656.2, residues 111-131): GFLAEEKQLH[Ile121Thr]LINNAGVMMC

ClinVar aggregate classification (germline): Uncertain significance. Review status: criteria provided, single submitter (1 of 4 stars). 2 submissions from 2 submitters: Uncertain significance (1). 1 of the submissions does not count toward it. Last evaluated 2020-05-29.

Conditions:
Retinitis pigmentosa (RP). Identifiers: Orphanet 791, MedGen C0035334, MeSH D012174, MONDO:0019200, OMIM 268000. Inheritance: Autosomal dominant, autosomal recessive and X linked inheritance.
Leber congenital amaurosis 13 (LCA13). Identifiers: MedGen C2675186, MONDO:0012990, OMIM 612712.

Submissions (2):

Broad Center for Mendelian Genomics, Broad Institute of MIT and Harvard
Classification: Uncertain significance for Leber congenital amaurosis 13. Last evaluated: 2020-05-29. Review status: criteria provided, single submitter. Criteria: ACMG Guidelines, 2015. Collection method: research. Allele origin: germline. Inheritance: Autosomal recessive inheritance.
Comment: Please note that this variant has been identified by a collaborative research study and was also be submitted by Massachusetts Eye and Ear. This variant was absent from large population studies. This variant has been reported in ClinVar as likely pathogenic by Ocular Genomics Institute, Massachusetts Eye and Ear (Variation ID: 805930). Computational prediction tools and conservation analyses do not provide strong support for or against an impact to the protein. In summary, while there is some suspicion for a pathogenic role, the clinical significance of this variant is uncertain. ACMG/AMP Criteria applied: PM2 (Richards 2015).

Ocular Genomics Institute, Massachusetts Eye and Ear
Classification: Likely pathogenic for Retinitis pigmentosa. Last evaluated: 2019-08-01. Review status: no assertion criteria provided. Collection method: clinical testing. Allele origin: germline. Affected: yes. Observed: 1 variant allele. Not counted in ClinVar's aggregate classification.